The following is an entry in ClinVar:

NM_201384.3(PLEC):c.4134G>A (p.Ala1378=)

Gene: PLEC (plectin; minus strand). Cytogenetic location: 8q24.3.
Variant type: single nucleotide variant.
Coding change: c.4134G>A on transcript NM_201384.3 (MANE Select); coding-DNA position 4134, G replaced by A.
Protein change: p.Ala1378=; no amino-acid change (alanine 1378 retained).
Molecular consequence: synonymous variant.
Genome position (GRCh38, 1-based): chr8:143,925,795, C>T on the plus strand (G>A on the coding strand, the complement: PLEC is on the minus strand). VCF-style: chr8-143925795-C-T. GRCh37 (hg19) VCF-style: chr8-144999963-C-T.
Other names: c.4215G>A, p.Ala1405= (NM_000445.5); c.4092G>A, p.Ala1364= (NM_201378.4); c.4068G>A, p.Ala1356= (NM_201379.3); c.4545G>A, p.Ala1515= (NM_201380.4); c.4038G>A, p.Ala1346= (NM_201381.3); c.4134G>A, p.Ala1378= (NM_201382.4); c.4146G>A, p.Ala1382= (NM_201383.3).
Identifiers: ClinVar variation 283549 (VCV000283549.14), dbSNP rs558224639, ClinGen allele CA4926758.
Genomic context (GRCh38, chr8:143,925,795, plus strand): 5'-CTGCATGCGCTGCTGCAGCTCCTTCGCCTCCCGCTCCGCCTGTGCCTTTGCCTGGGCGTG[C>T]GCCTCGGCCAGCTGCCGCTGCTTCTCCAGCGCGGCCTCCACCTCGGCCAGCCGCTCGCGC-3'
Protein context (NP_958786.1, residues 1368-1388): ALEKQRQLAE[Ala1378=]HAQAKAQAER

ClinVar aggregate classification (germline): Conflicting classifications of pathogenicity. Review status: criteria provided, conflicting classifications (1 of 4 stars). 3 submissions from 3 submitters: Uncertain significance (1); Likely benign (2). Last evaluated 2025-07-23.

Conditions:
Epidermolysis bullosa simplex with nail dystrophy (EBS5D). Identifiers: MedGen C4225309, MONDO:0014661, OMIM 616487.
Epidermolysis bullosa simplex 5C, with pyloric atresia (EBS5C). Also called: PLEC-Related Epidermolysis Bullosa with Pyloric Atresia; Epidermolysis bullosa simplex with pyloric atresia; PLEC1-Related Epidermolysis Bullosa with Pyloric Atresia. Identifiers: Orphanet 158684, MedGen C2677349, MONDO:0012807, OMIM 612138.
Autosomal recessive limb-girdle muscular dystrophy type 2Q (LGMDR17). Also called: MUSCULAR DYSTROPHY, LIMB-GIRDLE, AUTOSOMAL RECESSIVE 17. Identifiers: Orphanet 254361, MedGen C3150989, MONDO:0013390, OMIM 613723.
Epidermolysis bullosa simplex 5B, with muscular dystrophy (EBS5B). Also called: EPIDERMOLYSIS BULLOSA SIMPLEX AND LIMB-GIRDLE MUSCULAR DYSTROPHY; Epidermolysis bullosa simplex with muscular dystrophy. Identifiers: Orphanet 257, MedGen C2931072, MONDO:0009181, OMIM 226670.
Epidermolysis bullosa simplex, Ogna type (EBS5A). Also called: Pidermolysis bullosa simplex 5A, Ogna type; EPIDERMOLYSIS BULLOSA SIMPLEX 5A, OGNA TYPE. Identifiers: Orphanet 79401, MedGen C0432317, MONDO:0007555, OMIM 131950.

Allele frequency attached by ClinVar (database versions not stated): ExAC 0.00002; gnomAD exomes 0.00003; TOPMed 0.00003; gnomAD 0.00006 and 0.00007; 1000 Genomes Project 30x 0.00016; 1000 Genomes Project 0.00020.
gnomAD v4.1: 146 of 1,576,076 alleles (0.0093%); highest among the groups gnomAD compares: East Asian, 0.087%; no homozygotes.

Submissions (3):

Labcorp Genetics (formerly Invitae), Labcorp
Classification: Likely benign for Autosomal recessive limb-girdle muscular dystrophy type 2Q; Epidermolysis bullosa simplex, Ogna type; Epidermolysis bullosa simplex with nail dystrophy; Epidermolysis bullosa simplex 5C, with pyloric atresia; Epidermolysis bullosa simplex 5B, with muscular dystrophy. Last evaluated: 2025-07-23. Review status: criteria provided, single submitter. Criteria: Invitae Variant Classification Sherloc (09022015). Collection method: clinical testing. Allele origin: germline.

Eurofins Ntd Llc (ga)
Classification: Uncertain significance. Last evaluated: 2018-07-19. Review status: criteria provided, single submitter. Criteria: EGL ClinVar v180209 classification definitions. Collection method: clinical testing. Allele origin: germline. Observed: 2 variant alleles, 2 heterozygotes.

GeneDx
Classification: Likely benign. Last evaluated: 2017-01-03. Review status: criteria provided, single submitter. Criteria: GeneDx Variant Classification (06012015). Collection method: clinical testing. Allele origin: germline. Affected: yes.
Comment: This variant is considered likely benign or benign based on one or more of the following criteria: it is a conservative change, it occurs at a poorly conserved position in the protein, it is predicted to be benign by multiple in silico algorithms, and/or has population frequency not consistent with disease.